The following is an entry in ClinVar:

ClinVar aggregate classification (germline): Uncertain significance (1 of 4 stars; one submission).

Conditions:
Epilepsy, familial focal, with variable foci 3 (FFEVF3). Identifiers: MedGen C4310708, MONDO:0014925, OMIM 617118.

Allele frequency attached by ClinVar (database versions not stated): gnomAD exomes below 0.00001.
gnomAD v4.1: 1 of 1,613,084 alleles (0.000062%); highest among the groups gnomAD compares: Admixed American, 0.0017%; no homozygotes.

Submission:

Labcorp Genetics (formerly Invitae), Labcorp
Classification: Uncertain significance for Epilepsy, familial focal, with variable foci 3. Last evaluated: 2023-06-27. Review status: criteria provided, single submitter. Criteria: Invitae Variant Classification Sherloc (09022015). Collection method: clinical testing. Allele origin: germline.
Comment: This sequence change replaces glutamine, which is neutral and polar, with glutamic acid, which is acidic and polar, at codon 386 of the NPRL3 protein (p.Gln386Glu). This variant is present in population databases (no rsID available, gnomAD 0.003%). In summary, the available evidence is currently insufficient to determine the role of this variant in disease. Therefore, it has been classified as a Variant of Uncertain Significance. Advanced modeling of protein sequence and biophysical properties (such as structural, functional, and spatial information, amino acid conservation, physicochemical variation, residue mobility, and thermodynamic stability) performed at Invitae indicates that this missense variant is not expected to disrupt NPRL3 protein function. This variant has not been reported in the literature in individuals affected with NPRL3-related conditions.

NM_001077350.3(NPRL3):c.1156C>G (p.Gln386Glu)

Genes: HBA-LCR (alpha-globin locus control region; plus strand), NPRL3 (NPR3 like, GATOR1 complex subunit; minus strand). Cytogenetic location: 16p13.3.
Variant type: single nucleotide variant.
Coding change: c.1156C>G on transcript NM_001077350.3 (MANE Select); coding-DNA position 1156, C replaced by G.
Protein change: p.Gln386Glu; replaces glutamine 386 with glutamic acid.
Molecular consequence: missense variant.
Genome position (GRCh38, 1-based): chr16:92,601, G>C on the plus strand (C>G on the coding strand, the complement: NPRL3 is on the minus strand). VCF-style: chr16-92601-G-C. GRCh37 (hg19) VCF-style: chr16-142599-G-C.
Other names: c.619C>G, p.Gln207Glu (NM_001039476.3); c.922C>G, p.Gln308Glu (NM_001243247.2); c.1081C>G, p.Gln361Glu (NM_001243248.2, NM_001243249.2); short protein forms Q361E, Q207E, Q308E, Q386E.
Identifiers: ClinVar variation 2796889 (VCV002796889.3), dbSNP rs1371859768, ClinGen allele CA394052838.